The following is an entry in ClinVar:

ClinVar aggregate classification (germline): Uncertain significance (1 of 4 stars; one submission).

Allele frequency attached by ClinVar (database versions not stated): TOPMed below 0.00001.
gnomAD v4.1: 1 of 1,614,124 alleles (0.000062%); highest among the groups gnomAD compares: Admixed American, 0.0017%; no homozygotes.

Submission:

Labcorp Genetics (formerly Invitae), Labcorp
Classification: Uncertain significance. Last evaluated: 2022-04-21. Review status: criteria provided, single submitter. Criteria: Invitae Variant Classification Sherloc (09022015). Collection method: clinical testing. Allele origin: germline.
Comment: This sequence change replaces valine, which is neutral and non-polar, with methionine, which is neutral and non-polar, at codon 1073 of the SPEG protein (p.Val1073Met). This variant is present in population databases (no rsID available, gnomAD 0.003%). This variant has not been reported in the literature in individuals affected with SPEG-related conditions. Algorithms developed to predict the effect of missense changes on protein structure and function output the following: SIFT: "Tolerated"; PolyPhen-2: "Benign"; Align-GVGD: "Class C0". The methionine amino acid residue is found in multiple mammalian species, which suggests that this missense change does not adversely affect protein function. In summary, the available evidence is currently insufficient to determine the role of this variant in disease. Therefore, it has been classified as a Variant of Uncertain Significance.

NM_005876.5(SPEG):c.3217G>A (p.Val1073Met)

Gene: SPEG (striated muscle enriched protein kinase; plus strand). Cytogenetic location: 2q35.
Variant type: single nucleotide variant.
Coding change: c.3217G>A on transcript NM_005876.5 (MANE Select); coding-DNA position 3217, G replaced by A.
Protein change: p.Val1073Met; replaces valine 1073 with methionine.
Molecular consequence: missense variant.
Genome position (GRCh38, 1-based): chr2:219,468,652, G>A. VCF-style: chr2-219468652-G-A. GRCh37 (hg19) VCF-style: chr2-220333374-G-A.
Other names: short protein forms V1073M.
Identifiers: ClinVar variation 1973791 (VCV001973791.5), dbSNP rs1224900357, ClinGen allele CA350745153.